The following is an entry in ClinVar:

NM_138387.4(G6PC3):c.740C>A (p.Pro247His)

Gene: G6PC3 (glucose-6-phosphatase catalytic subunit 3; plus strand). Cytogenetic location: 17q21.31.
Variant type: single nucleotide variant.
Coding change: c.740C>A on transcript NM_138387.4 (MANE Select); coding-DNA position 740, C replaced by A.
Protein change: p.Pro247His; replaces proline 247 with histidine.
Molecular consequence: missense variant. On other transcripts: 3 prime UTR variant (1).
Genome position (GRCh38, 1-based): chr17:44,075,742, C>A. VCF-style: chr17-44075742-C-A. GRCh37 (hg19) VCF-style: chr17-42153110-C-A.
Other names: c.*33C>A (NM_001319945.2); c.395C>A, p.Pro132His (NM_001384165.1, NM_001384166.1, NM_001384167.1 and 1 more transcripts); short protein forms P132H, P247H.
Identifiers: ClinVar variation 5022098 (VCV005022098.1).

ClinVar aggregate classification (germline): Uncertain significance (1 of 4 stars; one submission).

Conditions:
Inborn genetic diseases. Identifiers: MedGen C0950123, MeSH D030342.

Submission:

Ambry Genetics
Classification: Uncertain significance for Inborn genetic diseases. Last evaluated: 2026-08-10. Review status: criteria provided, single submitter. Criteria: Ambry Variant Classification Scheme 2023. Collection method: clinical testing. Allele origin: germline.
Comment: The p.P247H variant (also known as c.740C>A), located in coding exon 6 of the G6PC3 gene, results from a C to A substitution at nucleotide position 740. The proline at codon 247 is replaced by histidine, an amino acid with similar properties. This amino acid position is conserved. In addition, this alteration is predicted to be deleterious by in silico analysis. Based on the available evidence, the clinical significance of this variant remains unclear.